The following is an entry in ClinVar:

ClinVar aggregate classification (germline): Pathogenic/Likely pathogenic. Review status: criteria provided, multiple submitters, no conflicts (2 of 4 stars). 2 submissions from 2 submitters: Pathogenic (1); Likely pathogenic (1). Last evaluated 2024-10-07.

Conditions:
Lethal congenital contractural syndrome Finnish type.

Allele frequency attached by ClinVar (database versions not stated): gnomAD exomes below 0.00001.
gnomAD v4.1: 4 of 1,613,178 alleles (0.00025%); highest among the groups gnomAD compares: East Asian, 0.0022%; no homozygotes.

Submissions (2):

Natera, Inc.
Classification: Likely pathogenic for Lethal congenital contractural syndrome Finnish type. Last evaluated: 2024-10-07. Review status: criteria provided, single submitter. Criteria: Natera Variant Classification Schema (03/2026). Collection method: clinical testing. Allele origin: germline.
Comment: The c.1771C>T variant in GLE1 is a nonsense variant predicted to introduce a stop codon at amino acid 591. This variant is expected to result in nonsense mediated decay, truncation, or a dysfunctional protein product. This variant is rare in the general population with a frequency below the threshold expected for the associated phenotype(s). Given the available evidence, this variant is classified as Likely Pathogenic.

Labcorp Genetics (formerly Invitae), Labcorp
Classification: Pathogenic. Last evaluated: 2023-04-25. Review status: criteria provided, single submitter. Criteria: Invitae Variant Classification Sherloc (09022015). Collection method: clinical testing. Allele origin: germline.
Comment: For these reasons, this variant has been classified as Pathogenic. ClinVar contains an entry for this variant (Variation ID: 1071199). This variant has not been reported in the literature in individuals affected with GLE1-related conditions. This variant is not present in population databases (gnomAD no frequency). This sequence change creates a premature translational stop signal (p.Gln591*) in the GLE1 gene. It is expected to result in an absent or disrupted protein product. Loss-of-function variants in GLE1 are known to be pathogenic (PMID: 18204449, 24243016, 27684565).

Literature cited by the submitters: PubMed 18204449 (cited by Labcorp Genetics (formerly Invitae), Labcorp); PubMed 24243016 (cited by Labcorp Genetics (formerly Invitae), Labcorp); PubMed 27684565 (cited by Labcorp Genetics (formerly Invitae), Labcorp).

NM_001003722.2(GLE1):c.1771C>T (p.Gln591Ter)

Genes: GLE1 (GLE1 RNA export mediator; plus strand), LOC101929270 (uncharacterized LOC101929270; minus strand). Cytogenetic location: 9q34.11.
Variant type: single nucleotide variant.
Coding change: c.1771C>T on transcript NM_001003722.2 (MANE Select); coding-DNA position 1771, C replaced by T.
Protein change: p.Gln591Ter; replaces glutamine 591 with a stop codon.
Molecular consequence: nonsense.
Genome position (GRCh38, 1-based): chr9:128,536,479, C>T. VCF-style: chr9-128536479-C-T. GRCh37 (hg19) VCF-style: chr9-131298758-C-T.
Other names: c.1771C>T (NM_001003722.1); c.1771C>T, p.Gln591Ter (NM_001499.2); short protein forms Q591*.
Identifiers: ClinVar variation 1071199 (VCV001071199.8), dbSNP rs1847714893, ClinGen allele CA375045160.